The following is an entry in ClinVar:

ClinVar aggregate classification (germline): Conflicting classifications of pathogenicity. Review status: criteria provided, conflicting classifications (1 of 4 stars). 2 submissions from 2 submitters: Uncertain significance (1); Likely benign (1). Last evaluated 2026-01-14.

Conditions:
Hereditary cancer-predisposing syndrome. Also called: Hereditary neoplastic syndrome; Tumor predisposition; Hereditary Cancer Syndrome; Neoplastic Syndromes, Hereditary. Identifiers: Orphanet 140162, MedGen C0027672, MeSH D009386, MONDO:0015356.

Allele frequency attached by ClinVar (database versions not stated): gnomAD exomes 0.00001 and 0.00007; gnomAD 0.00005; ExAC 0.00007; TOPMed 0.00007.
gnomAD v4.1: 38 of 1,614,158 alleles (0.0024%); highest among the groups gnomAD compares: East Asian, 0.038%; no homozygotes.

Submissions (2):

Labcorp Genetics (formerly Invitae), Labcorp
Classification: Likely benign. Last evaluated: 2026-01-14. Review status: criteria provided, single submitter. Criteria: Invitae Variant Classification Sherloc (09022015). Collection method: clinical testing. Allele origin: germline.

Sema4
Classification: Uncertain significance for Hereditary cancer-predisposing syndrome. Last evaluated: 2021-07-07. Review status: criteria provided, single submitter. Criteria: Sema4 Curation Guidelines. Collection method: curation. Allele origin: germline.
Comment: The ERCC5 c.2421C>T (p.I807=) variant has not been reported in the literature to our knowledge. It was observed in 15/18386 chromosomes of the East Asian subpopulation, with no homozygotes, in the large and broad cohorts of the Genome Aggregation Database (PMID: 32461654). The variant has been reported in ClinVar (Variation ID 730096). The nucleotide is highly conserved and in silico tools suggest the impact of the variant on splicing is benign, though these predictions have not been confirmed by functional studies.The evidence is insufficient to meet ACMG/AMP criteria for classifying the variant as benign or pathogenic. Thus, the clinical significance of this variant is currently uncertain.

NM_000123.4(ERCC5):c.2421C>T (p.Ile807=)

Genes: ERCC5 (ERCC excision repair 5, endonuclease; plus strand), BIVM-ERCC5 (BIVM-ERCC5 readthrough; plus strand), LOC126861834 (BRD4-independent group 4 enhancer GRCh37_chr13:103518038-103519237; plus strand). Cytogenetic location: 13q33.1.
Variant type: single nucleotide variant.
Coding change: c.2421C>T on transcript NM_000123.4 (MANE Select); coding-DNA position 2421, C replaced by T.
Protein change: p.Ile807=; no amino-acid change (isoleucine 807 retained).
Molecular consequence: synonymous variant.
Genome position (GRCh38, 1-based): chr13:102,866,733, C>T. VCF-style: chr13-102866733-C-T. GRCh37 (hg19) VCF-style: chr13-103519083-C-T.
Other names: c.3783C>T, p.Ile1261= (NM_001204425.2).
Identifiers: ClinVar variation 730096 (VCV000730096.5), dbSNP rs199648606, ClinGen allele CA7041636.